The following is an entry in ClinVar:

ClinVar aggregate classification (germline): Likely benign. Review status: criteria provided, single submitter (1 of 4 stars). 2 submissions from 2 submitters: Likely benign (1). 1 of the submissions does not count toward it. Last evaluated 2025-09-13.

Conditions:
TMPRSS15-related disorder. Also called: TMPRSS15-related condition.

Allele frequency attached by ClinVar (database versions not stated): TOPMed 0.00001; 1000 Genomes Project 0.00040; 1000 Genomes Project 30x 0.00078.
gnomAD v4.1: 372 of 1,614,116 alleles (0.023%); highest among the groups gnomAD compares: South Asian, 0.38%; 7 homozygotes.

Submissions (2):

Labcorp Genetics (formerly Invitae), Labcorp
Classification: Likely benign. Last evaluated: 2025-09-13. Review status: criteria provided, single submitter. Criteria: Invitae Variant Classification Sherloc (09022015). Collection method: clinical testing. Allele origin: germline.

PreventionGenetics, part of Exact Sciences
Classification: Likely benign for TMPRSS15-related condition. Last evaluated: 2023-05-29. Review status: no assertion criteria provided. Collection method: clinical testing. Allele origin: germline. Not counted in ClinVar's aggregate classification.
Comment: This variant is classified as likely benign based on ACMG/AMP sequence variant interpretation guidelines (Richards et al. 2015 PMID: 25741868, with internal and published modifications).

NM_002772.3(TMPRSS15):c.1529C>T (p.Pro510Leu)

Gene: TMPRSS15 (transmembrane serine protease 15; minus strand). Cytogenetic location: 21q21.1.
Variant type: single nucleotide variant.
Coding change: c.1529C>T on transcript NM_002772.3 (MANE Select); coding-DNA position 1529, C replaced by T.
Protein change: p.Pro510Leu; replaces proline 510 with leucine.
Molecular consequence: missense variant.
Genome position (GRCh38, 1-based): chr21:18,341,448, G>A on the plus strand (C>T on the coding strand, the complement: TMPRSS15 is on the minus strand). VCF-style: chr21-18341448-G-A. GRCh37 (hg19) VCF-style: chr21-19713765-G-A.
Other names: short protein forms P510L.
Identifiers: ClinVar variation 742237 (VCV000742237.10), dbSNP rs202066879, ClinGen allele CA9984396.